The following is an entry in ClinVar:

ClinVar aggregate classification (germline): Uncertain significance (1 of 4 stars; one submission).

Allele frequency attached by ClinVar (database versions not stated): TOPMed below 0.00001.

Submission:

Labcorp Genetics (formerly Invitae), Labcorp
Classification: Uncertain significance. Last evaluated: 2022-03-29. Review status: criteria provided, single submitter. Criteria: Invitae Variant Classification Sherloc (09022015). Collection method: clinical testing. Allele origin: germline.
Comment: This variant has not been reported in the literature in individuals affected with PNPT1-related conditions. This variant is not present in population databases (gnomAD no frequency). This sequence change replaces serine, which is neutral and polar, with proline, which is neutral and non-polar, at codon 60 of the PNPT1 protein (p.Ser60Pro). Advanced modeling of protein sequence and biophysical properties (such as structural, functional, and spatial information, amino acid conservation, physicochemical variation, residue mobility, and thermodynamic stability) performed at Invitae indicates that this missense variant is expected to disrupt PNPT1 protein function. In summary, the available evidence is currently insufficient to determine the role of this variant in disease. Therefore, it has been classified as a Variant of Uncertain Significance.

NM_033109.5(PNPT1):c.178T>C (p.Ser60Pro)

Gene: PNPT1 (polyribonucleotide nucleotidyltransferase 1; minus strand). Cytogenetic location: 2p16.1.
Variant type: single nucleotide variant.
Coding change: c.178T>C on transcript NM_033109.5 (MANE Select); coding-DNA position 178, T replaced by C.
Protein change: p.Ser60Pro; replaces serine 60 with proline.
Molecular consequence: missense variant.
Genome position (GRCh38, 1-based): chr2:55,687,689, A>G on the plus strand (T>C on the coding strand, the complement: PNPT1 is on the minus strand). VCF-style: chr2-55687689-A-G. GRCh37 (hg19) VCF-style: chr2-55914824-A-G.
Other names: short protein forms S60P.
Identifiers: ClinVar variation 2084886 (VCV002084886.2), dbSNP rs1464194127, ClinGen allele CA346943245.